The following is an entry in ClinVar:

ClinVar aggregate classification (germline): Uncertain significance (1 of 4 stars; one submission).

Conditions:
Cystic fibrosis (CF). Also called: MUCOVISCIDOSIS. Identifiers: Orphanet 586, MedGen C0010674, MONDO:0009061, OMIM 219700. Disease mechanism: loss of function.

Submission:

Labcorp Genetics (formerly Invitae), Labcorp
Classification: Uncertain significance for Cystic fibrosis. Last evaluated: 2022-10-25. Review status: criteria provided, single submitter. Criteria: Invitae Variant Classification Sherloc (09022015). Collection method: clinical testing. Allele origin: germline.
Comment: This variant is not present in population databases (gnomAD no frequency). This sequence change replaces leucine, which is neutral and non-polar, with valine, which is neutral and non-polar, at codon 475 of the CFTR protein (p.Leu475Val). In summary, the available evidence is currently insufficient to determine the role of this variant in disease. Therefore, it has been classified as a Variant of Uncertain Significance. Advanced modeling of protein sequence and biophysical properties (such as structural, functional, and spatial information, amino acid conservation, physicochemical variation, residue mobility, and thermodynamic stability) performed at Invitae indicates that this missense variant is expected to disrupt CFTR protein function. This variant has not been reported in the literature in individuals affected with CFTR-related conditions.

NM_000492.4(CFTR):c.1423C>G (p.Leu475Val)

Genes: CFTR (CF transmembrane conductance regulator; plus strand), CFTR-AS1 (CFTR antisense RNA 1; minus strand). Cytogenetic location: 7q31.2.
Variant type: single nucleotide variant.
Coding change: c.1423C>G on transcript NM_000492.4 (MANE Select); coding-DNA position 1423, C replaced by G.
Protein change: p.Leu475Val; replaces leucine 475 with valine.
Molecular consequence: missense variant.
Genome position (GRCh38, 1-based): chr7:117,559,494, C>G. VCF-style: chr7-117559494-C-G. GRCh37 (hg19) VCF-style: chr7-117199548-C-G.
Other names: short protein forms L475V.
Identifiers: ClinVar variation 2168133 (VCV002168133.4), dbSNP rs2485065286, ClinGen allele CA368984362.